The following is an entry in ClinVar:

NM_006372.5(SYNCRIP):c.646G>A (p.Ala216Thr)

Gene: SYNCRIP (synaptotagmin binding cytoplasmic RNA interacting protein; minus strand). Cytogenetic location: 6q14.3.
Variant type: single nucleotide variant.
Coding change: c.646G>A on transcript NM_006372.5 (MANE Select); coding-DNA position 646, G replaced by A.
Protein change: p.Ala216Thr; replaces alanine 216 with threonine.
Molecular consequence: missense variant.
Genome position (GRCh38, 1-based): chr6:85,636,987, C>T on the plus strand (G>A on the coding strand, the complement: SYNCRIP is on the minus strand). VCF-style: chr6-85636987-C-T. GRCh37 (hg19) VCF-style: chr6-86346705-C-T.
Other names: c.352G>A, p.Ala118Thr (NM_001159673.2, NM_001410938.1); c.646G>A, p.Ala216Thr (NM_001159674.2, NM_001159675.2, NM_001159676.2 and 1 more transcripts); c.190G>A, p.Ala64Thr (NM_001253771.2); c.646G>A (NM_006372.4); short protein forms A118T, A216T, A64T.
Identifiers: ClinVar variation 1343277 (VCV001343277.4), dbSNP rs753313193, ClinGen allele CA3912862.

ClinVar aggregate classification (germline): Uncertain significance. Review status: criteria provided, multiple submitters, no conflicts (2 of 4 stars). 2 submissions from 2 submitters: Uncertain significance (2). Last evaluated 2022-02-10.

Conditions:
Inborn genetic diseases. Identifiers: MedGen C0950123, MeSH D030342.

Allele frequency attached by ClinVar (database versions not stated): gnomAD 0.00001; gnomAD exomes 0.00001; ExAC 0.00002; TOPMed 0.00002.
gnomAD v4.1: 8 of 1,609,480 alleles (0.0005%); highest among the groups gnomAD compares: Non-Finnish European, 0.00068%; no homozygotes.

Submissions (2):

Ambry Genetics
Classification: Uncertain significance for Inborn genetic diseases. Last evaluated: 2022-02-10. Review status: criteria provided, single submitter. Criteria: Ambry Variant Classification Scheme 2023. Collection method: clinical testing. Allele origin: germline.

Institute of Human Genetics, Clinical Exome/Genome Diagnostics Group, University Hospital Bonn
Classification: Uncertain significance. Last evaluated: 2021-09-20. Review status: criteria provided, single submitter. Criteria: ACMG Guidelines, 2015. Collection method: clinical testing. Allele origin: germline. Affected: yes.
Comment: PS2, PP2